The following is an entry in ClinVar:

NM_004036.5(ADCY3):c.2574C>T (p.Arg858=)

Gene: ADCY3 (adenylate cyclase 3; minus strand). Cytogenetic location: 2p23.3.
Variant type: single nucleotide variant.
Coding change: c.2574C>T on transcript NM_004036.5 (MANE Select); coding-DNA position 2574, C replaced by T.
Protein change: p.Arg858=; no amino-acid change (arginine 858 retained).
Molecular consequence: synonymous variant. On other transcripts: intron variant (1).
Genome position (GRCh38, 1-based): chr2:24,826,048, G>A on the plus strand (C>T on the coding strand, the complement: ADCY3 is on the minus strand). VCF-style: chr2-24826048-G-A. GRCh37 (hg19) VCF-style: chr2-25048917-G-A.
Other names: c.2577C>T, p.Arg859= (NM_001320613.2); c.2640C>T, p.Arg880= (NM_001377128.1); c.2436C>T, p.Arg812= (NM_001377129.1); c.1851C>T, p.Arg617= (NM_001377131.1); c.2574C>T, p.Arg858= (NM_001377132.1); c.2173-1512C>T (NM_001377130.1).
Identifiers: ClinVar variation 3346490 (VCV003346490.1).

ClinVar aggregate classification (germline): Likely benign (0 of 4 stars; one submission).

Conditions:
ADCY3-related disorder. Also called: ADCY3-related condition.

Submission:

PreventionGenetics, part of Exact Sciences
Classification: Likely benign for ADCY3-related condition. Last evaluated: 2024-06-06. Review status: no assertion criteria provided. Collection method: clinical testing. Allele origin: germline.
Comment: This variant is classified as likely benign based on ACMG/AMP sequence variant interpretation guidelines (Richards et al. 2015 PMID: 25741868, with internal and published modifications).